The following is an entry in ClinVar:

NM_014053.4(FLVCR1):c.974T>G (p.Ile325Arg)

Gene: FLVCR1 (FLVCR choline and heme transporter 1; plus strand). Cytogenetic location: 1q32.3.
Variant type: single nucleotide variant.
Coding change: c.974T>G on transcript NM_014053.4 (MANE Select); coding-DNA position 974, T replaced by G.
Protein change: p.Ile325Arg; replaces isoleucine 325 with arginine.
Molecular consequence: missense variant.
Genome position (GRCh38, 1-based): chr1:212,872,768, T>G. VCF-style: chr1-212872768-T-G. GRCh37 (hg19) VCF-style: chr1-213046110-T-G.
Other names: short protein forms I325R.
Identifiers: ClinVar variation 1009885 (VCV001009885.8), dbSNP rs1664640355, ClinGen allele CA344791948.

ClinVar aggregate classification (germline): Uncertain significance (1 of 4 stars; one submission).

Submission:

Labcorp Genetics (formerly Invitae), Labcorp
Classification: Uncertain significance. Last evaluated: 2022-02-04. Review status: criteria provided, single submitter. Criteria: Invitae Variant Classification Sherloc (09022015). Collection method: clinical testing. Allele origin: germline.
Comment: This sequence change replaces isoleucine, which is neutral and non-polar, with arginine, which is basic and polar, at codon 325 of the FLVCR1 protein (p.Ile325Arg). This variant is not present in population databases (gnomAD no frequency). This variant has not been reported in the literature in individuals affected with FLVCR1-related conditions. ClinVar contains an entry for this variant (Variation ID: 1009885). Algorithms developed to predict the effect of missense changes on protein structure and function (SIFT, PolyPhen-2, Align-GVGD) all suggest that this variant is likely to be disruptive. In summary, the available evidence is currently insufficient to determine the role of this variant in disease. Therefore, it has been classified as a Variant of Uncertain Significance.